The following is an entry in ClinVar:

NM_152703.5(SAMD9L):c.3784T>G (p.Ser1262Ala)

Gene: SAMD9L (sterile alpha motif domain containing 9 like; minus strand). Cytogenetic location: 7q21.2.
Variant type: single nucleotide variant.
Coding change: c.3784T>G on transcript NM_152703.5 (MANE Select); coding-DNA position 3784, T replaced by G.
Protein change: p.Ser1262Ala; replaces serine 1262 with alanine.
Molecular consequence: missense variant.
Genome position (GRCh38, 1-based): chr7:93,132,188, A>C on the plus strand (T>G on the coding strand, the complement: SAMD9L is on the minus strand). VCF-style: chr7-93132188-A-C. GRCh37 (hg19) VCF-style: chr7-92761501-A-C.
Other names: c.3784T>G (NM_152703.2, NM_152703.3); c.3784T>G, p.Ser1262Ala (NM_001303496.3, NM_001303497.3, NM_001303498.3 and 5 more transcripts); short protein forms S1262A.
Identifiers: ClinVar variation 1448833 (VCV001448833.9), dbSNP rs150404840, ClinGen allele CA4343404.

ClinVar aggregate classification (germline): Conflicting classifications of pathogenicity. Review status: criteria provided, conflicting classifications (1 of 4 stars). 4 submissions from 4 submitters: Uncertain significance (3); Likely benign (1). Last evaluated 2026-01-02.

Conditions:
Inborn genetic diseases. Identifiers: MedGen C0950123, MeSH D030342.
SAMD9L-related disorder. Also called: SAMD9L-related disorders; SAMD9L-related condition.

Allele frequency attached by ClinVar (database versions not stated): TOPMed 0.00003; gnomAD 0.00004; gnomAD exomes 0.00004 and 0.00011; ExAC 0.00006; ESP Exome Variant Server 0.00008.
gnomAD v4.1: 159 of 1,613,580 alleles (0.0099%); highest among the groups gnomAD compares: Non-Finnish European, 0.013%; no homozygotes.

Submissions (4):

Labcorp Genetics (formerly Invitae), Labcorp
Classification: Uncertain significance. Last evaluated: 2026-01-02. Review status: criteria provided, single submitter. Criteria: Invitae Variant Classification Sherloc (09022015). Collection method: clinical testing. Allele origin: germline.
Comment: This sequence change replaces serine, which is neutral and polar, with alanine, which is neutral and non-polar, at codon 1262 of the SAMD9L protein (p.Ser1262Ala). This variant is present in population databases (rs150404840, gnomAD 0.009%). This variant has not been reported in the literature in individuals affected with SAMD9L-related conditions. ClinVar contains an entry for this variant (Variation ID: 1448833). Invitae Evidence Modeling of protein sequence and biophysical properties (such as structural, functional, and spatial information, amino acid conservation, physicochemical variation, residue mobility, and thermodynamic stability) indicates that this missense variant is not expected to disrupt SAMD9L protein function with a negative predictive value of 80%. In summary, the available evidence is currently insufficient to determine the role of this variant in disease. Therefore, it has been classified as a Variant of Uncertain Significance.

GeneDx
Classification: Uncertain significance. Last evaluated: 2025-04-03. Review status: criteria provided, single submitter. Criteria: GeneDx Variant Classification Process June 2021. Collection method: clinical testing. Allele origin: germline. Affected: yes.
Comment: In silico analysis indicates that this missense variant does not alter protein structure/function; Has not been previously published as pathogenic or benign to our knowledge

Ambry Genetics
Classification: Likely benign for Inborn genetic diseases. Last evaluated: 2024-11-20. Review status: criteria provided, single submitter. Criteria: Ambry Variant Classification Scheme 2023. Collection method: clinical testing. Allele origin: germline.

PreventionGenetics, part of Exact Sciences
Classification: Uncertain significance for SAMD9L-related condition. Last evaluated: 2023-03-17. Review status: criteria provided, single submitter. Criteria: ACMG Guidelines, 2015. Collection method: clinical testing. Allele origin: germline.
Comment: The SAMD9L c.3784T>G variant is predicted to result in the amino acid substitution p.Ser1262Ala. To our knowledge, this variant has not been reported in the literature. This variant is reported in 0.0093% of alleles in individuals of European (Non-Finnish) descent in gnomAD. At this time, the clinical significance of this variant is uncertain due to the absence of conclusive functional and genetic evidence.